The following is an entry in ClinVar:

NM_000492.4(CFTR):c.2363C>T (p.Thr788Ile)

Gene: CFTR (CF transmembrane conductance regulator; plus strand). Cytogenetic location: 7q31.2.
Variant type: single nucleotide variant.
Coding change: c.2363C>T on transcript NM_000492.4 (MANE Select); coding-DNA position 2363, C replaced by T.
Protein change: p.Thr788Ile; replaces threonine 788 with isoleucine.
Molecular consequence: missense variant.
Genome position (GRCh38, 1-based): chr7:117,592,530, C>T. VCF-style: chr7-117592530-C-T. GRCh37 (hg19) VCF-style: chr7-117232584-C-T.
Other names: short protein forms T788I.
Identifiers: ClinVar variation 3233876 (VCV003233876.3), dbSNP rs1380182202, ClinGen allele CA368981060.
Genomic context (GRCh38, chr7:117,592,530, plus strand): 5'-CTGTCCTGAACCTGATGACACACTCAGTTAACCAAGGTCAGAACATTCACCGAAAGACAA[C>T]AGCATCCACACGAAAAGTGTCACTGGCCCCTCAGGCAAACTTGACTGAACTGGATATATA-3'
Protein context (NP_000483.3, residues 778-798): NQGQNIHRKT[Thr788Ile]ASTRKVSLAP

ClinVar aggregate classification (germline): Uncertain significance (1 of 4 stars; one submission).

Submission:

Women's Health and Genetics/Laboratory Corporation of America, LabCorp
Classification: Uncertain significance. Last evaluated: 2024-03-19. Review status: criteria provided, single submitter. Criteria: LabCorp Variant Classification Summary - May 2015. Collection method: clinical testing. Allele origin: germline.
Comment: Variant summary: CFTR c.2363C>T (p.Thr788Ile) results in a non-conservative amino acid change located in the CFTR regulator domain of the encoded protein sequence. Four of five in-silico tools predict a benign effect of the variant on protein function. The variant was absent in 184492 control chromosomes. The available data on variant occurrences in the general population are insufficient to allow any conclusion about variant significance. To our knowledge, no occurrence of c.2363C>T in individuals affected with Cystic Fibrosis and no experimental evidence demonstrating its impact on protein function have been reported. No submitters have cited clinical-significance assessments for this variant to ClinVar. Based on the evidence outlined above, the variant was classified as uncertain significance.